The following is an entry in ClinVar:

NM_007294.4(BRCA1):c.1607C>G (p.Thr536Ser)

Gene: BRCA1 (BRCA1 DNA repair associated; minus strand). Cytogenetic location: 17q21.31.
Variant type: single nucleotide variant.
Coding change: c.1607C>G on transcript NM_007294.4 (MANE Select); coding-DNA position 1607, C replaced by G.
Protein change: p.Thr536Ser; replaces threonine 536 with serine.
Molecular consequence: missense variant. On other transcripts: intron variant (137).
Genome position (GRCh38, 1-based): chr17:43,093,924, G>C on the plus strand (C>G on the coding strand, the complement: BRCA1 is on the minus strand). VCF-style: chr17-43093924-G-C. GRCh37 (hg19) VCF-style: chr17-41245941-G-C.
Other names: p.Thr536Ser; 1726C>G; c.1394C>G, p.Thr465Ser (NM_001407571.1, NM_001407853.1, NM_001407894.1 and 9 more transcripts); c.1607C>G, p.Thr536Ser (NM_001407581.1, NM_001407582.1, NM_001407583.1 and 30 more transcripts); c.1604C>G, p.Thr535Ser (NM_001407587.1, NM_001407590.1, NM_001407591.1 and 22 more transcripts); c.1529C>G, p.Thr510Ser (NM_001407658.1, NM_001407663.1, NM_001407653.1 and 4 more transcripts); c.1526C>G, p.Thr509Ser (NM_001407659.1, NM_001407660.1, NM_001407661.1 and 1 more transcripts); c.1484C>G, p.Thr495Ser (NM_001407664.1, NM_001407665.1, NM_001407666.1 and 19 more transcripts); and 42 more; short protein forms T536S, T489S, T425S, T509S, T535S, T409S, T469S, T494S.
Identifiers: ClinVar variation 91557 (VCV000091557.21), dbSNP rs398122638, ClinGen allele CA001065.

ClinVar aggregate classification (germline): Conflicting classifications of pathogenicity. Review status: criteria provided, conflicting classifications (1 of 4 stars). 5 submissions from 5 submitters: Uncertain significance (3); Likely benign (1). 1 of the submissions does not count toward it. Last evaluated 2025-12-09.

Conditions:
Hereditary cancer-predisposing syndrome. Also called: Hereditary Cancer Syndrome; Hereditary neoplastic syndrome; Neoplastic Syndromes, Hereditary; Tumor predisposition. Identifiers: Orphanet 140162, MedGen C0027672, MeSH D009386, MONDO:0015356.
Hereditary breast ovarian cancer syndrome. Also called: BRCA1- and BRCA2-Associated Hereditary Breast and Ovarian Cancer; Hereditary breast and ovarian cancer syndrome; Hereditary breast and ovarian cancer syndrome (HBOC); Breast and ovarian cancer; Hereditary breast and/or ovarian cancer syndrome; Hereditary breast and ovarian cancer. Identifiers: Orphanet 145, MedGen C0677776, MeSH D061325, MONDO:0003582. Disease mechanism: loss of function.
Breast-ovarian cancer, familial, susceptibility to, 1 (BROVCA1). Also called: BRCA1 Hereditary Breast and Ovarian Cancer; OVARIAN CANCER, SUSCEPTIBILITY TO. Identifiers: Orphanet 145, MedGen C2676676, MONDO:0011450, OMIM 604370. Disease mechanism: loss of function.

Submissions (5):

Mayo Clinic Laboratories, Mayo Clinic
Classification: Uncertain significance. Last evaluated: 2025-12-09. Review status: criteria provided, single submitter. Criteria: ACMG Guidelines, 2015. Collection method: clinical testing. Allele origin: germline. Observed: 1 variant allele.
Comment: BP1_strong, PM2_supporting

Labcorp Genetics (formerly Invitae), Labcorp
Classification: Uncertain significance for Hereditary breast ovarian cancer syndrome. Last evaluated: 2025-10-12. Review status: criteria provided, single submitter. Criteria: Invitae Variant Classification Sherloc (09022015). Collection method: clinical testing. Allele origin: germline.
Comment: This sequence change replaces threonine, which is neutral and polar, with serine, which is neutral and polar, at codon 536 of the BRCA1 protein (p.Thr536Ser). This variant is not present in population databases (gnomAD no frequency). This variant has not been reported in the literature in individuals affected with BRCA1-related conditions. ClinVar contains an entry for this variant (Variation ID: 91557). Invitae Evidence Modeling of protein sequence and biophysical properties (such as structural, functional, and spatial information, amino acid conservation, physicochemical variation, residue mobility, and thermodynamic stability) indicates that this missense variant is not expected to disrupt BRCA1 protein function with a negative predictive value of 80%. In summary, the available evidence is currently insufficient to determine the role of this variant in disease. Therefore, it has been classified as a Variant of Uncertain Significance.

Ambry Genetics
Classification: Uncertain significance for Hereditary cancer-predisposing syndrome. Last evaluated: 2023-12-26. Review status: criteria provided, single submitter. Criteria: Ambry Variant Classification Scheme 2023. Collection method: clinical testing. Allele origin: germline.
Comment: The p.T536S variant (also known as c.1607C>G), located in coding exon 9 of the BRCA1 gene, results from a C to G substitution at nucleotide position 1607. The threonine at codon 536 is replaced by serine, an amino acid with similar properties. This amino acid position is not well conserved in available vertebrate species. In addition, the in silico prediction for this alteration is inconclusive. Since supporting evidence is limited at this time, the clinical significance of this alteration remains unclear.

University of Washington Department of Laboratory Medicine, University of Washington
Classification: Likely benign for Hereditary cancer-predisposing syndrome. Last evaluated: 2023-03-23. Review status: criteria provided, single submitter. Criteria: Dines et al. (Genet Med. 2020). Collection method: curation. Allele origin: germline.
Comment: Missense variant in a coldspot region where missense variants are very unlikely to be pathogenic (PMID:31911673).

BRCA1 coldspot (exon 11 using historical exon numbering). Reclassification based on statistical prior probability

Sharing Clinical Reports Project (SCRP)
Classification: Uncertain significance for Breast-ovarian cancer, familial 1. Last evaluated: 2012-07-09. Review status: no assertion criteria provided. Collection method: clinical testing. Allele origin: germline. Not counted in ClinVar's aggregate classification.

Literature cited by the submitters: PubMed 30702160 (cited by Mayo Clinic Laboratories, Mayo Clinic); PubMed 31133068 (cited by Mayo Clinic Laboratories, Mayo Clinic); PubMed 38153744 (cited by Mayo Clinic Laboratories, Mayo Clinic).